The following is an entry in ClinVar:

ClinVar aggregate classification (germline): Uncertain significance (1 of 4 stars; one submission).

Conditions:
Cardiovascular phenotype. Identifiers: MedGen CN230736.

Allele frequency attached by ClinVar (database versions not stated): TOPMed below 0.00001.
gnomAD v4.1: 2 of 1,207,512 alleles (0.00017%); highest among the groups gnomAD compares: African/African-American, 0.0035%; no homozygotes.

Submission:

Ambry Genetics
Classification: Uncertain significance for Cardiovascular phenotype. Last evaluated: 2023-09-11. Review status: criteria provided, single submitter. Criteria: Ambry Variant Classification Scheme 2023. Collection method: clinical testing. Allele origin: germline.
Comment: The p.H1269R variant (also known as c.3806A>G), located in coding exon 28 of the DMD gene, results from an A to G substitution at nucleotide position 3806. The histidine at codon 1269 is replaced by arginine, an amino acid with highly similar properties. Based on data from gnomAD, the G allele has an overall frequency of 0.0011% (2/182652) total alleles studied, with no hemizygote(s) observed. The highest observed frequency was 0.0153% (2/13088) of African/African American alleles. This amino acid position is not well conserved in available vertebrate species. In addition, this alteration is predicted to be tolerated by in silico analysis. Since supporting evidence is limited at this time, the clinical significance of this alteration remains unclear.

NM_004006.3(DMD):c.3806A>G (p.His1269Arg)

Gene: DMD (dystrophin; minus strand). Cytogenetic location: Xp21.1.
Variant type: single nucleotide variant.
Coding change: c.3806A>G on transcript NM_004006.3 (MANE Select); coding-DNA position 3806, A replaced by G.
Protein change: p.His1269Arg; replaces histidine 1269 with arginine.
Molecular consequence: missense variant.
Genome position (GRCh38, 1-based): chrX:32,441,295, T>C on the plus strand (A>G on the coding strand, the complement: DMD is on the minus strand). VCF-style: chrX-32441295-T-C. GRCh37 (hg19) VCF-style: chrX-32459412-T-C.
Other names: c.3782A>G, p.His1261Arg (NM_000109.4); c.3794A>G, p.His1265Arg (NM_004009.3); c.3437A>G, p.His1146Arg (NM_004010.3); short protein forms H1146R, H1261R, H1265R, H1269R.
Identifiers: ClinVar variation 2626682 (VCV002626682.2), dbSNP rs775892814, ClinGen allele CA10379184.
Genomic context (GRCh38, chrX:32,441,295, plus strand): 5'-AGTTTAAATTCTACTTCATTTAGCCACTTGTTTGCTTTCTCCAAGTATGACAATAACTCA[T>C]GCCAACATGCCCAAACTTCCTAAGAAAGAAATATATATCACAGATTAAATATTATGGTAG-3'
Protein context (NP_003997.2, residues 1259-1279): KTLEEVWACW[His1269Arg]ELLSYLEKAN